The following is an entry in ClinVar:

ClinVar aggregate classification (germline): Likely pathogenic (1 of 4 stars; one submission).

Conditions:
Cardiovascular phenotype. Identifiers: MedGen CN230736.

Submission:

Ambry Genetics
Classification: Likely pathogenic for Cardiovascular phenotype. Last evaluated: 2025-02-25. Review status: criteria provided, single submitter. Criteria: Ambry Variant Classification Scheme 2023. Collection method: clinical testing. Allele origin: germline.
Comment: The c.3870delA variant, located in coding exon 22 of the TTN gene, results from a deletion of one nucleotide at nucleotide position 3870, causing a translational frameshift with a predicted alternate stop codon (p.R1290Sfs*61). This exon is located in the near Z-disk region of the N2-B isoform of the titin protein and is constitutively expressed in TTN transcripts (percent spliced in or PSI 100%). This variant (referred to as c.3867delT, p.Glu1290Asnfs*107) was detected in a cohort of patients with cancer therapy-related cardiac dysfunction (Boen HM et al. Cardiooncology. 2024 Apr;10(1):26). This variant is considered to be rare based on population cohorts in the Genome Aggregation Database (gnomAD). This variant is expected to result in loss of function by premature protein truncation or nonsense-mediated mRNA decay. While truncating variants in TTN are present in 1-3% of the general population, truncating variants in the A-band are the most common cause of dilated cardiomyopathy (Herman DS et al. N. Engl. J. Med., 2012 Feb;366:619-28; Roberts AM et al. Sci Transl Med, 2015 Jan;7:270ra6). TTN truncating variants encoded in constitutive exons (PSI >90%) have been found to be significantly associated with DCM regardless of their position in titin (Schafer S et al. Nat. Genet., 2017 01;49:46-53; Akhtar MM et al. Circ Heart Fail, 2020 Oct;13:e006832; Massier M et al. Clin Genet, 2025 Jan). Based on the majority of available evidence to date, this variant is likely to be pathogenic.

Literature cited by the submitters: PubMed 38689299.

NM_001267550.2(TTN):c.4008del (p.Arg1336fs)

Genes: TTN (titin; minus strand), LOC101927055 (uncharacterized LOC101927055; plus strand). Cytogenetic location: 2q31.2.
Variant type: Deletion.
Coding change: c.4008del on transcript NM_001267550.2 (MANE Select); coding-DNA position 4008, one base deleted (A; older notation c.4008delA).
Protein change: p.Arg1336fs; shifts the reading frame from arginine 1336.
Molecular consequence: frameshift variant.
Genome position (GRCh38, 1-based): chr2:178,779,074, T deleted on the plus strand (A on the coding strand, the reverse complement: TTN is on the minus strand). VCF-style (leftmost placement, unchanged base first): chr2-178779073-AT-A. GRCh37 (hg19) VCF-style: chr2-179643800-AT-A.
Other names: c.4008del, p.Arg1336fs (NM_001256850.1, NM_133378.4, NM_133379.5); c.3870del, p.Arg1290fs (NM_003319.4, NM_133432.3, NM_133437.4); c.3870delA (NM_003319.4); short protein forms R1290fs, R1336fs.
Identifiers: ClinVar variation 2451886 (VCV002451886.3), dbSNP rs2533076634, ClinGen allele CA2580065168.